The following is an entry in ClinVar:

NM_004484.4(GPC3):c.1438A>G (p.Lys480Glu)

Gene: GPC3 (glypican 3; minus strand). Cytogenetic location: Xq26.2.
Variant type: single nucleotide variant.
Coding change: c.1438A>G on transcript NM_004484.4 (MANE Select); coding-DNA position 1438, A replaced by G.
Protein change: p.Lys480Glu; replaces lysine 480 with glutamic acid.
Molecular consequence: missense variant.
Genome position (GRCh38, 1-based): chrX:133,596,575, T>C on the plus strand (A>G on the coding strand, the complement: GPC3 is on the minus strand). VCF-style: chrX-133596575-T-C. GRCh37 (hg19) VCF-style: chrX-132730603-T-C.
Other names: c.1507A>G, p.Lys503Glu (NM_001164617.2); c.1390A>G, p.Lys464Glu (NM_001164618.2); c.1276A>G, p.Lys426Glu (NM_001164619.2); short protein forms K480E, K503E, K426E, K464E.
Identifiers: ClinVar variation 2090425 (VCV002090425.4), dbSNP rs2520748003, ClinGen allele CA414701634.

ClinVar aggregate classification (germline): Uncertain significance (1 of 4 stars; one submission).

Conditions:
Wilms tumor 1 (WT1). Also called: Wilms tumor, somatic. Identifiers: Orphanet 654, MedGen CN033288, MONDO:0008679, OMIM 194070.

Submission:

Labcorp Genetics (formerly Invitae), Labcorp
Classification: Uncertain significance for Wilms tumor 1. Last evaluated: 2022-08-21. Review status: criteria provided, single submitter. Criteria: Invitae Variant Classification Sherloc (09022015). Collection method: clinical testing. Allele origin: germline.
Comment: In summary, the available evidence is currently insufficient to determine the role of this variant in disease. Therefore, it has been classified as a Variant of Uncertain Significance. Algorithms developed to predict the effect of missense changes on protein structure and function (SIFT, PolyPhen-2, Align-GVGD) all suggest that this variant is likely to be tolerated. This variant has not been reported in the literature in individuals affected with GPC3-related conditions. This variant is not present in population databases (gnomAD no frequency). This sequence change replaces lysine, which is basic and polar, with glutamic acid, which is acidic and polar, at codon 480 of the GPC3 protein (p.Lys480Glu).